The following is an entry in ClinVar:

ClinVar aggregate classification (germline): Uncertain significance (1 of 4 stars; one submission).

Conditions:
Brody myopathy. Also called: BRODY DISEASE. Identifiers: Orphanet 53347, MedGen C1832918, MONDO:0010977, OMIM 601003.

Submission:

Labcorp Genetics (formerly Invitae), Labcorp
Classification: Uncertain significance for Brody myopathy. Last evaluated: 2024-01-22. Review status: criteria provided, single submitter. Criteria: Invitae Variant Classification Sherloc (09022015). Collection method: clinical testing. Allele origin: germline.
Comment: This sequence change replaces glutamine, which is neutral and polar, with arginine, which is basic and polar, at codon 692 of the ATP2A1 protein (p.Gln692Arg). This variant is present in population databases (no rsID available, gnomAD 0.006%). This variant has not been reported in the literature in individuals affected with ATP2A1-related conditions. An algorithm developed to predict the effect of missense changes on protein structure and function (PolyPhen-2) suggests that this variant is likely to be disruptive. In summary, the available evidence is currently insufficient to determine the role of this variant in disease. Therefore, it has been classified as a Variant of Uncertain Significance.

NM_004320.6(ATP2A1):c.2075A>G (p.Gln692Arg)

Gene: ATP2A1 (ATPase sarcoplasmic/endoplasmic reticulum Ca2+ transporting 1; plus strand). Cytogenetic location: 16p11.2.
Variant type: single nucleotide variant.
Coding change: c.2075A>G on transcript NM_004320.6 (MANE Select); coding-DNA position 2075, A replaced by G.
Protein change: p.Gln692Arg; replaces glutamine 692 with arginine.
Molecular consequence: missense variant.
Genome position (GRCh38, 1-based): chr16:28,900,891, A>G. VCF-style: chr16-28900891-A-G. GRCh37 (hg19) VCF-style: chr16-28912212-A-G.
Other names: c.1700A>G, p.Gln567Arg (NM_001286075.2); c.2075A>G, p.Gln692Arg (NM_173201.5); short protein forms Q567R, Q692R.
Identifiers: ClinVar variation 2729564 (VCV002729564.3), dbSNP rs1424668951, ClinGen allele CA395411544.